The following is an entry in ClinVar:

ClinVar aggregate classification (germline): Uncertain significance. Review status: criteria provided, multiple submitters, no conflicts (2 of 4 stars). 2 submissions from 2 submitters: Uncertain significance (2). Last evaluated 2025-12-16.

Conditions:
Inborn genetic diseases. Identifiers: MedGen C0950123, MeSH D030342.

Allele frequency attached by ClinVar (database versions not stated): gnomAD exomes below 0.00001.

Submissions (2):

Labcorp Genetics (formerly Invitae), Labcorp
Classification: Uncertain significance. Last evaluated: 2025-12-16. Review status: criteria provided, single submitter. Criteria: Invitae Variant Classification Sherloc (09022015). Collection method: clinical testing. Allele origin: germline.
Comment: This sequence change replaces serine, which is neutral and polar, with asparagine, which is neutral and polar, at codon 88 of the SMAD2 protein (p.Ser88Asn). This variant is present in population databases (no rsID available, gnomAD 0.0009%). This variant has not been reported in the literature in individuals affected with SMAD2-related conditions. ClinVar contains an entry for this variant (Variation ID: 3225160). Invitae Evidence Modeling of protein sequence and biophysical properties (such as structural, functional, and spatial information, amino acid conservation, physicochemical variation, residue mobility, and thermodynamic stability) indicates that this missense variant is not expected to disrupt SMAD2 protein function with a negative predictive value of 95%. In summary, the available evidence is currently insufficient to determine the role of this variant in disease. Therefore, it has been classified as a Variant of Uncertain Significance.

Ambry Genetics
Classification: Uncertain significance for Inborn genetic diseases. Last evaluated: 2024-03-02. Review status: criteria provided, single submitter. Criteria: Ambry Variant Classification Scheme 2023. Collection method: clinical testing. Allele origin: germline.
Comment: The p.S88N variant (also known as c.263G>A), located in coding exon 2 of the SMAD2 gene, results from a G to A substitution at nucleotide position 263. The serine at codon 88 is replaced by asparagine, an amino acid with highly similar properties. This amino acid position is conserved. In addition, the in silico prediction for this alteration is inconclusive. Based on the available evidence, the clinical significance of this alteration remains unclear.

NM_005901.6(SMAD2):c.263G>A (p.Ser88Asn)

Gene: SMAD2 (SMAD family member 2; minus strand). Cytogenetic location: 18q21.1.
Variant type: single nucleotide variant.
Coding change: c.263G>A on transcript NM_005901.6 (MANE Select); coding-DNA position 263, G replaced by A.
Protein change: p.Ser88Asn; replaces serine 88 with asparagine.
Molecular consequence: missense variant. On other transcripts: intron variant (1).
Genome position (GRCh38, 1-based): chr18:47,870,538, C>T on the plus strand (G>A on the coding strand, the complement: SMAD2 is on the minus strand). VCF-style: chr18-47870538-C-T. GRCh37 (hg19) VCF-style: chr18-45396909-C-T.
Other names: c.263G>A, p.Ser88Asn (NM_001003652.4); c.237-1102G>A (NM_001135937.3); short protein forms S88N.
Identifiers: ClinVar variation 3225160 (VCV003225160.2), dbSNP rs1173764083, ClinGen allele CA402502407.